The following is an entry in ClinVar:

NM_001377.3(DYNC2H1):c.9992del (p.Gly3331fs)

Gene: DYNC2H1 (dynein cytoplasmic 2 heavy chain 1; plus strand). Cytogenetic location: 11q22.3.
Variant type: Deletion.
Coding change: c.9992del on transcript NM_001377.3 (MANE Select); coding-DNA position 9992, one base deleted (G; older notation c.9992delG).
Protein change: p.Gly3331fs; shifts the reading frame from glycine 3331.
Molecular consequence: frameshift variant.
Genome position (GRCh38, 1-based): chr11:103,245,324, G deleted; the last of 2 consecutive G bases (chr11:103,245,323-103,245,324); deleting either gives the same sequence. VCF-style (leftmost placement, unchanged base first): chr11-103245322-TG-T. GRCh37 (hg19) VCF-style: chr11-103116051-TG-T.
Other names: c.10013del, p.Gly3338fs (NM_001080463.2); short protein forms G3331fs, G3338fs.
Identifiers: ClinVar variation 2700456 (VCV002700456.3), dbSNP rs2496585568, ClinGen allele CA2697548896.

ClinVar aggregate classification (germline): Pathogenic (1 of 4 stars; one submission).

Conditions:
Jeune thoracic dystrophy. Also called: Short-rib thoracic dysplasia; Jeune syndrome; Infantile thoracic dystrophy; Thoracic pelvic phalangeal dystrophy; Jeune's syndrome; Chondroectodermal dysplasia-like syndrome. Identifiers: Orphanet 474, MedGen C0265275, MONDO:0018770.

Submission:

Labcorp Genetics (formerly Invitae), Labcorp
Classification: Pathogenic for Jeune thoracic dystrophy. Last evaluated: 2024-06-25. Review status: criteria provided, single submitter. Criteria: Invitae Variant Classification Sherloc (09022015). Collection method: clinical testing. Allele origin: germline.
Comment: This sequence change creates a premature translational stop signal (p.Gly3338Valfs*2) in the DYNC2H1 gene. It is expected to result in an absent or disrupted protein product. Loss-of-function variants in DYNC2H1 are known to be pathogenic (PMID: 23339108, 32753734, 33755199). This variant is not present in population databases (gnomAD no frequency). This variant has not been reported in the literature in individuals affected with DYNC2H1-related conditions. For these reasons, this variant has been classified as Pathogenic.

Literature cited by the submitters: PubMed 23339108; PubMed 32753734; PubMed 33755199.